The following is an entry in ClinVar:

ClinVar aggregate classification (germline): Likely pathogenic (1 of 4 stars; one submission).

Conditions:
Pseudo-TORCH syndrome 2 (PTORCH2). Also called: USP18 deficiency. Identifiers: Orphanet 481665, MedGen C4479376, MONDO:0018828, OMIM 617397.

Submission:

Women's Health and Genetics/Laboratory Corporation of America, LabCorp
Classification: Likely pathogenic for Pseudo-TORCH syndrome 2. Last evaluated: 2023-05-03. Review status: criteria provided, single submitter. Criteria: LabCorp Variant Classification Summary - May 2015. Collection method: clinical testing. Allele origin: germline.
Comment: Variant summary: USP18 c.891+1G>T is located in a canonical splice-site and is predicted to affect mRNA splicing resulting in a significantly altered protein due to either exon skipping, shortening, or inclusion of intronic material. Several computational tools predict a significant impact on normal splicing: Four predict the variant abolishes a 5' splicing donor site. However, these predictions have yet to be confirmed by functional studies. The variant was absent in 153276 control chromosomes. To our knowledge, no occurrence of c.891+1G>T in individuals affected with Pseudo-TORCH Syndrome 2 and no experimental evidence demonstrating its impact on protein function have been reported. No clinical diagnostic laboratories have submitted clinical-significance assessments for this variant to ClinVar after 2014. Based on the evidence outlined above, the variant was classified as likely pathogenic.

NM_017414.4(USP18):c.891+1G>T

Gene: USP18 (ubiquitin specific peptidase 18; plus strand). Cytogenetic location: 22q11.21.
Variant type: single nucleotide variant.
Coding change: c.891+1G>T on transcript NM_017414.4 (MANE Select); the canonical splice donor site of the intron after coding-DNA position 891, G replaced by T.
Molecular consequence: splice donor variant.
Genome position (GRCh38, 1-based): chr22:18,170,921, G>T. VCF-style: chr22-18170921-G-T. GRCh37 (hg19) VCF-style: chr22-18653688-G-T.
Identifiers: ClinVar variation 2506027 (VCV002506027.1), dbSNP rs2517176522, ClinGen allele CA410626948.
Genomic context (GRCh38, chr22:18,170,921, plus strand): 5'-AGCTTGGATTTCAGCCAGATCCTTCCAATGAAGCGAGAGTCTTGTGATGCTGAGGAGCAG[G>T]TGGGATGATCCCGACCTCCTTGCCATCCTGCCTCTCCCCAGATGCCATGTCCTTTCTGTT-3'